The following is an entry in ClinVar:

NM_002693.3(POLG):c.1448C>T (p.Pro483Leu)

Gene: POLG (DNA polymerase gamma, catalytic subunit; minus strand). Cytogenetic location: 15q26.1.
Variant type: single nucleotide variant.
Coding change: c.1448C>T on transcript NM_002693.3 (MANE Select); coding-DNA position 1448, C replaced by T.
Protein change: p.Pro483Leu; replaces proline 483 with leucine.
Molecular consequence: missense variant.
Genome position (GRCh38, 1-based): chr15:89,327,049, G>A on the plus strand (C>T on the coding strand, the complement: POLG is on the minus strand). VCF-style: chr15-89327049-G-A. GRCh37 (hg19) VCF-style: chr15-89870280-G-A.
Other names: c.1448C>T, p.Pro483Leu (NM_001126131.2); short protein forms P483L.
Identifiers: ClinVar variation 1523515 (VCV001523515.8), dbSNP rs767900699, ClinGen allele CA7724827.

ClinVar aggregate classification (germline): Uncertain significance (1 of 4 stars; one submission).

Conditions:
Progressive sclerosing poliodystrophy (MTDPS4A). Also called: ALPERS PROGRESSIVE INFANTILE POLIODYSTROPHY; NEURONAL DEGENERATION OF CHILDHOOD WITH LIVER DISEASE, PROGRESSIVE; Mitochondrial DNA Depletion Syndrome 4A; Alpers-Huttenlocher Syndrome (AHS); Alpers Syndrome; ALPERS DIFFUSE DEGENERATION OF CEREBRAL GRAY MATTER WITH HEPATIC CIRRHOSIS. Identifiers: Orphanet 726, MedGen C0205710, MONDO:0008758, OMIM 203700.

Allele frequency attached by ClinVar (database versions not stated): gnomAD exomes below 0.00001; TOPMed below 0.00001; ExAC 0.00001; gnomAD 0.00001.
gnomAD v4.1: 3 of 1,614,094 alleles (0.00019%); highest among the groups gnomAD compares: African/African-American, 0.0013%; no homozygotes.

Submission:

Labcorp Genetics (formerly Invitae), Labcorp
Classification: Uncertain significance for Progressive sclerosing poliodystrophy. Last evaluated: 2020-11-23. Review status: criteria provided, single submitter. Criteria: Invitae Variant Classification Sherloc (09022015). Collection method: clinical testing. Allele origin: germline.
Comment: Algorithms developed to predict the effect of missense changes on protein structure and function are either unavailable or do not agree on the potential impact of this missense change (SIFT: "Tolerated"; PolyPhen-2: "Probably Damaging"; Align-GVGD: "Class C0"). In summary, the available evidence is currently insufficient to determine the role of this variant in disease. Therefore, it has been classified as a Variant of Uncertain Significance. This variant has not been reported in the literature in individuals with POLG-related conditions. This variant is present in population databases (rs767900699, ExAC 0.01%). This sequence change replaces proline with leucine at codon 483 of the POLG protein (p.Pro483Leu). The proline residue is highly conserved and there is a moderate physicochemical difference between proline and leucine.